The following is an entry in ClinVar:

ClinVar aggregate classification (germline): Conflicting classifications of pathogenicity. Review status: criteria provided, conflicting classifications (1 of 4 stars). 5 submissions from 5 submitters: Uncertain significance (4); Likely benign (1). Last evaluated 2026-01-11.

Conditions:
Epidermolysis bullosa dystrophica. Also called: Dystrophic epidermolysis bullosa, Hallopeau-Siemens type (formerly); Dystrophic epidermolysis bullosa. Identifiers: Orphanet 303, MedGen C0079294, MONDO:0006543.
COL7A1-related disorder. Also called: COL7A1- related disorders; COL7A1-related condition.
Inborn genetic diseases. Identifiers: MedGen C0950123, MeSH D030342.

Allele frequency attached by ClinVar (database versions not stated): gnomAD 0.00011 and 0.00013; 1000 Genomes Project 30x 0.00016; TOPMed 0.00016; gnomAD exomes 0.00017 and 0.00028; 1000 Genomes Project 0.00020; ExAC 0.00038; ESP Exome Variant Server 0.00054.
gnomAD v4.1: 421 of 1,603,422 alleles (0.026%); highest among the groups gnomAD compares: East Asian, 0.047%; no homozygotes.

Submissions (5):

Labcorp Genetics (formerly Invitae), Labcorp
Classification: Likely benign. Last evaluated: 2026-01-11. Review status: criteria provided, single submitter. Criteria: Invitae Variant Classification Sherloc (09022015). Collection method: clinical testing. Allele origin: germline.

PreventionGenetics, part of Exact Sciences
Classification: Uncertain significance for COL7A1-related condition. Last evaluated: 2025-07-20. Review status: criteria provided, single submitter. Criteria: ACMG Guidelines, 2015. Collection method: clinical testing. Allele origin: germline.
Comment: The COL7A1 c.3232C>T variant is predicted to result in the amino acid substitution p.Arg1078Cys. To our knowledge, this variant has not been reported in the literature. This variant is reported in 0.048% of alleles in individuals of East Asian descent in gnomAD. At this time, the clinical significance of this variant is uncertain due to the absence of conclusive functional and genetic evidence.

Ambry Genetics
Classification: Uncertain significance for Inborn genetic diseases. Last evaluated: 2023-03-17. Review status: criteria provided, single submitter. Criteria: Ambry Variant Classification Scheme 2023. Collection method: clinical testing. Allele origin: germline.

CeGaT Center for Human Genetics Tuebingen
Classification: Uncertain significance. Last evaluated: 2022-07-01. Review status: criteria provided, single submitter. Criteria: CeGaT Center For Human Genetics Tuebingen Variant Classification Criteria Version 2. Collection method: clinical testing. Allele origin: germline. Affected: yes. Observed: 1 variant allele.
Comment: COL7A1: PM2:Supporting, BP4

Illumina Laboratory Services, Illumina
Classification: Uncertain significance for Dystrophic epidermolysis bullosa. Last evaluated: 2018-01-13. Review status: criteria provided, single submitter. Criteria: ICSL Variant Classification Criteria 13 December 2019. Collection method: clinical testing. Allele origin: germline.

NM_000094.4(COL7A1):c.3232C>T (p.Arg1078Cys)

Gene: COL7A1 (collagen type VII alpha 1 chain; minus strand). Cytogenetic location: 3p21.31.
Variant type: single nucleotide variant.
Coding change: c.3232C>T on transcript NM_000094.4 (MANE Select); coding-DNA position 3232, C replaced by T.
Protein change: p.Arg1078Cys; replaces arginine 1078 with cysteine.
Molecular consequence: missense variant.
Genome position (GRCh38, 1-based): chr3:48,587,016, G>A on the plus strand (C>T on the coding strand, the complement: COL7A1 is on the minus strand). VCF-style: chr3-48587016-G-A. GRCh37 (hg19) VCF-style: chr3-48624449-G-A.
Other names: short protein forms R1078C.
Identifiers: ClinVar variation 345861 (VCV000345861.39), dbSNP rs149154108, ClinGen allele CA2380593.